The following is an entry in ClinVar:

ClinVar aggregate classification (germline): Uncertain significance (1 of 4 stars; one submission).

Conditions:
VPS13B-related disorder. Also called: VPS13B-related condition.

Submission:

PreventionGenetics, part of Exact Sciences
Classification: Uncertain significance for VPS13B-related condition. Last evaluated: 2023-01-06. Review status: criteria provided, single submitter. Criteria: ACMG Guidelines, 2015. Collection method: clinical testing. Allele origin: germline.
Comment: The VPS13B c.7432G>T variant is predicted to result in the amino acid substitution p.Ala2478Ser. To our knowledge, this variant has not been reported in the literature or in a large population database, indicating this variant is rare. At this time, the clinical significance of this variant is uncertain due to the absence of conclusive functional and genetic evidence.

NM_152564.5(VPS13B):c.7432G>T (p.Ala2478Ser)

Gene: VPS13B (vacuolar protein sorting 13 homolog B; plus strand). Cytogenetic location: 8q22.2.
Variant type: single nucleotide variant.
Coding change: c.7432G>T on transcript NM_152564.5 (MANE Select); coding-DNA position 7432, G replaced by T.
Protein change: p.Ala2478Ser; replaces alanine 2478 with serine.
Molecular consequence: missense variant.
Genome position (GRCh38, 1-based): chr8:99,778,684, G>T. VCF-style: chr8-99778684-G-T. GRCh37 (hg19) VCF-style: chr8-100790912-G-T.
Other names: c.7507G>T, p.Ala2503Ser (NM_017890.5); short protein forms A2478S, A2503S.
Identifiers: ClinVar variation 2629808 (VCV002629808.1), dbSNP rs765110503, ClinGen allele CA371875936.
Genomic context (GRCh38, chr8:99,778,684, plus strand): 5'-TTTTCACAAAATATTGGCTCATCTTAATTGCTGTTTTCCTTGTTTGTTTTCTCAACAGCT[G>T]CACCACAGTACCTACAGCCATTTGTTTCCGACAGAAATATGCCATCTGAACTAGAATACA-3'
Protein context (NP_689777.3, residues 2468-2488): CHHLDQLGTA[Ala2478Ser]PQYLQPFVSD